The following is an entry in ClinVar:

ClinVar aggregate classification (germline): Benign/Likely benign. Review status: criteria provided, multiple submitters, no conflicts (2 of 4 stars). 4 submissions from 4 submitters: Benign (3); Likely benign (1). Last evaluated 2024-10-09.

Allele frequency attached by ClinVar (database versions not stated): gnomAD exomes 0.00039 and 0.00101; ExAC 0.00131; 1000 Genomes Project 30x 0.00297; 1000 Genomes Project 0.00359; gnomAD 0.00414 and 0.00449; TOPMed 0.00458; ESP Exome Variant Server 0.00584.
gnomAD v4.1: 1,246 of 1,613,944 alleles (0.077%); highest among the groups gnomAD compares: African/African-American, 1.5%; 12 homozygotes.

Submissions (4):

Blueprint Genetics
Classification: Likely benign. Last evaluated: 2024-10-09. Review status: criteria provided, single submitter. Criteria: ACMG Guidelines, 2015. Collection method: clinical testing. Allele origin: germline.

CeGaT Center for Human Genetics Tuebingen
Classification: Benign. Last evaluated: 2024-04-01. Review status: criteria provided, single submitter. Criteria: CeGaT Center For Human Genetics Tuebingen Variant Classification Criteria Version 2. Collection method: clinical testing. Allele origin: germline. Affected: yes. Observed: 2 variant alleles.
Comment: HERC2: BP4, BS1, BS2

Labcorp Genetics (formerly Invitae), Labcorp
Classification: Benign. Last evaluated: 2019-12-31. Review status: criteria provided, single submitter. Criteria: Invitae Variant Classification Sherloc (09022015). Collection method: clinical testing. Allele origin: germline.

Breakthrough Genomics
Classification: Benign. Review status: criteria provided, single submitter. Criteria: ACMG Guidelines, 2015. Collection method: not provided. Allele origin: germline. Inheritance: Autosomal recessive inheritance. Affected: yes.

NM_004667.6(HERC2):c.8898G>A (p.Leu2966=)

Gene: HERC2 (HECT and RLD domain containing E3 ubiquitin protein ligase 2; minus strand). Cytogenetic location: 15q13.1.
Variant type: single nucleotide variant.
Coding change: c.8898G>A on transcript NM_004667.6 (MANE Select); coding-DNA position 8898, G replaced by A.
Protein change: p.Leu2966=; no amino-acid change (leucine 2966 retained).
Molecular consequence: synonymous variant.
Genome position (GRCh38, 1-based): chr15:28,182,440, C>T on the plus strand (G>A on the coding strand, the complement: HERC2 is on the minus strand). VCF-style: chr15-28182440-C-T. GRCh37 (hg19) VCF-style: chr15-28427586-C-T.
Identifiers: ClinVar variation 785477 (VCV000785477.33), dbSNP rs61755663, ClinGen allele CA7441346.